The following is an entry in ClinVar:

ClinVar aggregate classification (germline): Uncertain significance (1 of 4 stars; one submission).

Conditions:
Neutropenia, severe congenital, 9, autosomal dominant. Identifiers: MedGen C5676954, MONDO:0030726, OMIM 619813.

Submission:

Institute of Medical Genetics and Applied Genomics, University Hospital Tübingen
Classification: Uncertain significance for Neutropenia, severe congenital, 9, autosomal dominant. Last evaluated: 2024-09-25. Review status: criteria provided, single submitter. Criteria: ACMG Guidelines, 2015. Collection method: clinical testing. Allele origin: germline. Inheritance: Autosomal dominant inheritance. Affected: yes.
Comment: De novo status pending

NM_001258392.3(CLPB):c.979G>T (p.Val327Leu)

Gene: CLPB (ClpB family mitochondrial disaggregase; minus strand). Cytogenetic location: 11q13.4.
Variant type: single nucleotide variant.
Coding change: c.979G>T on transcript NM_001258392.3 (MANE Select); coding-DNA position 979, G replaced by T.
Protein change: p.Val327Leu; replaces valine 327 with leucine.
Molecular consequence: missense variant.
Genome position (GRCh38, 1-based): chr11:72,317,115, C>A on the plus strand (G>T on the coding strand, the complement: CLPB is on the minus strand). VCF-style: chr11-72317115-C-A. GRCh37 (hg19) VCF-style: chr11-72028159-C-A.
Other names: c.892G>T, p.Val298Leu (NM_001258393.3); c.934G>T, p.Val312Leu (NM_001258394.3); c.1069G>T, p.Val357Leu (NM_030813.6); short protein forms V298L, V312L, V327L, V357L.
Identifiers: ClinVar variation 3341069 (VCV003341069.1).